The following is an entry in ClinVar:

NM_001267550.2(TTN):c.98832G>A (p.Trp32944Ter)

Genes: TTN (titin; minus strand), TTN-AS1 (TTN antisense RNA 1; plus strand). Cytogenetic location: 2q31.2.
Variant type: single nucleotide variant.
Coding change: c.98832G>A on transcript NM_001267550.2 (MANE Select); coding-DNA position 98832, G replaced by A.
Protein change: p.Trp32944Ter; replaces tryptophan 32944 with a stop codon.
Molecular consequence: nonsense. On other transcripts: non-coding transcript variant (1).
Genome position (GRCh38, 1-based): chr2:178,539,103, C>T on the plus strand (G>A on the coding strand, the complement: TTN is on the minus strand). VCF-style: chr2-178539103-C-T. GRCh37 (hg19) VCF-style: chr2-179403830-C-T.
Other names: c.93909G>A, p.Trp31303Ter (NM_001256850.1); c.71637G>A, p.Trp23879Ter (NM_003319.4); c.91128G>A, p.Trp30376Ter (NM_133378.4); c.72012G>A, p.Trp24004Ter (NM_133432.3); c.72213G>A, p.Trp24071Ter (NM_133437.4); short protein forms W24071*, W32944*, W30376*, W23879*, W24004*, W31303*.
Identifiers: ClinVar variation 4791906 (VCV004791906.1).
Genomic context (GRCh38, chr2:178,539,103, plus strand): 5'-GGGAACAAGCCCTGTGACAGTGTACATTGTGGTGGTGATCTGAGTCTTGTTGTGTCTGAC[C>T]CACTTGTCAGTGGATGTCTCTTTGCGTTCGATGTAGTAGCCTGTGACTCTAGAACCACCA-3'

ClinVar aggregate classification (germline): Likely pathogenic (1 of 4 stars; one submission).

Conditions:
Autosomal recessive limb-girdle muscular dystrophy type 2J (LGMDR10). Also called: Limb-girdle muscular dystrophy, type 2J; MUSCULAR DYSTROPHY, LIMB-GIRDLE, AUTOSOMAL RECESSIVE 10. Identifiers: Orphanet 140922, MedGen C1837342, MONDO:0012127, OMIM 608807.
Dilated cardiomyopathy 1G (CMD1G). Identifiers: Orphanet 154, MedGen C1858763, MONDO:0011400, OMIM 604145.

gnomAD v4.1: 1 of 1,613,690 alleles (0.000062%); highest among the groups gnomAD compares: Non-Finnish European, 0.000085%; no homozygotes.

Submission:

Labcorp Genetics (formerly Invitae), Labcorp
Classification: Likely pathogenic for Dilated cardiomyopathy 1G; Autosomal recessive limb-girdle muscular dystrophy type 2J. Last evaluated: 2025-12-06. Review status: criteria provided, single submitter. Criteria: Invitae Variant Classification Sherloc (09022015). Collection method: clinical testing. Allele origin: germline.
Comment: This sequence change creates a premature translational stop signal (p.Trp32944*) in the TTN gene. While this is not anticipated to result in nonsense mediated decay, it is expected to create a truncated TTN protein. This variant is not present in population databases (gnomAD no frequency). This variant has not been reported in the literature in individuals affected with TTN-related conditions. Algorithms developed to predict the effect of sequence changes on RNA splicing suggest that this variant may create or strengthen a splice site. This variant is located in the A band of TTN (PMID: 25589632). Truncating variants in this region are significantly overrepresented in patients affected with dilated cardiomyopathy (PMID: 25589632). Truncating variants in this region have also been reported in individuals affected with autosomal recessive centronuclear myopathy (PMID: 23975875). In summary, the currently available evidence indicates that the variant is pathogenic, but additional data are needed to prove that conclusively. Therefore, this variant has been classified as Likely Pathogenic.

Literature cited by the submitters: PubMed 25589632; PubMed 23975875.